The following is an entry in ClinVar:

ClinVar aggregate classification (germline): Uncertain significance (1 of 4 stars; one submission).

Allele frequency attached by ClinVar (database versions not stated): TOPMed below 0.00001.
gnomAD v4.1: 1 of 1,555,390 alleles (0.000064%); highest among the groups gnomAD compares: Non-Finnish European, 0.000087%; no homozygotes.

Submission:

GeneDx
Classification: Uncertain significance. Last evaluated: 2016-02-09. Review status: criteria provided, single submitter. Criteria: GeneDx Variant Classification (06012015). Collection method: clinical testing. Allele origin: germline. Affected: yes.
Comment: The A950S variant has not been published as a pathogenic variant, nor has it been reported as a benign variant to our knowledge. It was not observed in approximately 6,300 individuals of European and African American ancestry in the NHLBI Exome Sequencing Project, indicating it is not a common benign variant in these populations. The A950S variant is a non-conservative amino acid substitution, which is likely to impact secondary protein structure as these residues differ in polarity, charge, size and/or other properties. However, this substitution occurs at a position that is not conserved, and in silico analysis predicts this variant likely does not alter the protein structure/function. Therefore, based on the currently available information, it is unclear whether this variant is a pathogenic variant or a rare benign variant.

NM_020631.6(PLEKHG5):c.2848G>T (p.Ala950Ser)

Gene: PLEKHG5 (pleckstrin homology and RhoGEF domain containing G5; minus strand). Cytogenetic location: 1p36.31.
Variant type: single nucleotide variant.
Coding change: c.2848G>T on transcript NM_020631.6 (MANE Select); coding-DNA position 2848, G replaced by T.
Protein change: p.Ala950Ser; replaces alanine 950 with serine.
Molecular consequence: missense variant. On other transcripts: intron variant (1).
Genome position (GRCh38, 1-based): chr1:6,467,988, C>A on the plus strand (G>T on the coding strand, the complement: PLEKHG5 is on the minus strand). VCF-style: chr1-6467988-C-A. GRCh37 (hg19) VCF-style: chr1-6528048-C-A.
Other names: c.2959G>T, p.Ala987Ser (NM_001042663.3, NM_001265592.2); c.2848G>T, p.Ala950Ser (NM_001042664.2, NM_001042665.2, NM_198681.4); c.3055G>T, p.Ala1019Ser (NM_001265593.2); c.2738-90G>T (NM_001265594.3); short protein forms A950S, A1019S, A987S.
Identifiers: ClinVar variation 246359 (VCV000246359.2), dbSNP rs879254222, ClinGen allele CA10584152.